The following is an entry in ClinVar:

NC_000004.11:g.(?_107216231)_(107216343_?)del

Gene: TBCK (TBC1 domain containing kinase; minus strand). Cytogenetic location: 4q24.
Variant type: Deletion.
Identifiers: ClinVar variation 3246719 (VCV003246719.1).

ClinVar aggregate classification (germline): Pathogenic (1 of 4 stars; one submission).

Submission:

Labcorp Genetics (formerly Invitae), Labcorp
Classification: Pathogenic. Last evaluated: 2024-01-19. Review status: criteria provided, single submitter. Criteria: Invitae Variant Classification Sherloc (09022015). Collection method: clinical testing. Allele origin: unknown.
Comment: This variant is a gross deletion of the genomic region encompassing exon(s) 3 of the TBCK gene. This deletion is out-of-frame, and is expected to create a premature termination codon and result in an absent or disrupted protein product. Loss-of-function variants in TBCK are known to be pathogenic (PMID: 27040692, 30103036). This variant has not been reported in the literature in individuals affected with TBCK-related conditions. Experimental studies and prediction algorithms are not available or were not evaluated, and the functional significance of this variant is currently unknown. For these reasons, this variant has been classified as Pathogenic.

Literature cited by the submitters: PubMed 27040692; PubMed 30103036.